The following is an entry in ClinVar:

ClinVar aggregate classification (germline): Benign. Review status: criteria provided, single submitter (1 of 4 stars). 2 submissions from 2 submitters: Benign (1). 1 of the submissions does not count toward it. Last evaluated 2022-04-23.

Conditions:
BPTF-related disorder. Also called: BPTF-related condition.

Allele frequency attached by ClinVar (database versions not stated): gnomAD exomes 0.00004; gnomAD 0.00008; TOPMed 0.00011; ExAC 0.00017; 1000 Genomes Project 0.00060; 1000 Genomes Project 30x 0.00062.
gnomAD v4.1: 71 of 1,614,164 alleles (0.0044%); highest among the groups gnomAD compares: East Asian, 0.12%; 1 homozygote.

Submissions (2):

Labcorp Genetics (formerly Invitae), Labcorp
Classification: Benign. Last evaluated: 2022-04-23. Review status: criteria provided, single submitter. Criteria: Invitae Variant Classification Sherloc (09022015). Collection method: clinical testing. Allele origin: germline.

PreventionGenetics, part of Exact Sciences
Classification: Likely benign for BPTF-related condition. Last evaluated: 2019-04-01. Review status: no assertion criteria provided. Collection method: clinical testing. Allele origin: germline. Not counted in ClinVar's aggregate classification.
Comment: This variant is classified as likely benign based on ACMG/AMP sequence variant interpretation guidelines (Richards et al. 2015 PMID: 25741868, with internal and published modifications).

NM_182641.4(BPTF):c.7803G>A (p.Gln2601=)

Gene: BPTF (bromodomain PHD finger transcription factor; plus strand). Cytogenetic location: 17q24.2.
Variant type: single nucleotide variant.
Coding change: c.7803G>A on transcript NM_182641.4 (MANE Select); coding-DNA position 7803, G replaced by A.
Protein change: p.Gln2601=; no amino-acid change (glutamine 2601 retained).
Molecular consequence: synonymous variant.
Genome position (GRCh38, 1-based): chr17:67,948,183, G>A. VCF-style: chr17-67948183-G-A. GRCh37 (hg19) VCF-style: chr17-65944299-G-A.
Other names: c.7752G>A, p.Gln2584= (NM_004459.7); c.7803G>A (NM_182641.3).
Identifiers: ClinVar variation 2187396 (VCV002187396.6), dbSNP rs190883344, ClinGen allele CA8726431.